The following is an entry in ClinVar:

ClinVar aggregate classification (germline): Uncertain significance. Review status: criteria provided, multiple submitters, no conflicts (2 of 4 stars). 2 submissions from 2 submitters: Uncertain significance (2). Last evaluated 2025-05-05.

Conditions:
Inborn genetic diseases. Identifiers: MedGen C0950123, MeSH D030342.

gnomAD v4.1: 2 of 1,605,954 alleles (0.00012%); highest among the groups gnomAD compares: Non-Finnish European, 0.00017%; no homozygotes.

Submissions (2):

Labcorp Genetics (formerly Invitae), Labcorp
Classification: Uncertain significance. Last evaluated: 2025-05-05. Review status: criteria provided, single submitter. Criteria: Invitae Variant Classification Sherloc (09022015). Collection method: clinical testing. Allele origin: germline.
Comment: This sequence change replaces isoleucine, which is neutral and non-polar, with leucine, which is neutral and non-polar, at codon 828 of the WFS1 protein (p.Ile828Leu). This variant is not present in population databases (gnomAD no frequency). This variant has not been reported in the literature in individuals affected with WFS1-related conditions. ClinVar contains an entry for this variant (Variation ID: 3469933). Invitae Evidence Modeling of protein sequence and biophysical properties (such as structural, functional, and spatial information, amino acid conservation, physicochemical variation, residue mobility, and thermodynamic stability) indicates that this missense variant is not expected to disrupt WFS1 protein function with a negative predictive value of 95%. In summary, the available evidence is currently insufficient to determine the role of this variant in disease. Therefore, it has been classified as a Variant of Uncertain Significance.

Ambry Genetics
Classification: Uncertain significance for Inborn genetic diseases. Last evaluated: 2024-11-13. Review status: criteria provided, single submitter. Criteria: Ambry Variant Classification Scheme 2023. Collection method: clinical testing. Allele origin: germline.

NM_006005.3(WFS1):c.2482A>C (p.Ile828Leu)

Gene: WFS1 (wolframin ER transmembrane glycoprotein; plus strand). Cytogenetic location: 4p16.1.
Variant type: single nucleotide variant.
Coding change: c.2482A>C on transcript NM_006005.3 (MANE Select); coding-DNA position 2482, A replaced by C.
Protein change: p.Ile828Leu; replaces isoleucine 828 with leucine.
Molecular consequence: missense variant.
Genome position (GRCh38, 1-based): chr4:6,302,277, A>C. VCF-style: chr4-6302277-A-C. GRCh37 (hg19) VCF-style: chr4-6304004-A-C.
Other names: c.2482A>C, p.Ile828Leu (NM_001145853.1); short protein forms I828L.
Identifiers: ClinVar variation 3469933 (VCV003469933.2).